The following is an entry in ClinVar:

NM_001042492.3(NF1):c.466C>T (p.Arg156Cys)

Gene: NF1 (neurofibromin 1; plus strand). Cytogenetic location: 17q11.2.
Variant type: single nucleotide variant.
Coding change: c.466C>T on transcript NM_001042492.3 (MANE Select); coding-DNA position 466, C replaced by T.
Protein change: p.Arg156Cys; replaces arginine 156 with cysteine.
Molecular consequence: missense variant.
Genome position (GRCh38, 1-based): chr17:31,163,363, C>T. VCF-style: chr17-31163363-C-T. GRCh37 (hg19) VCF-style: chr17-29490381-C-T.
Other names: c.466C>T, p.Arg156Cys (NM_000267.4, NM_001128147.3); short protein forms R156C.
Identifiers: ClinVar variation 457714 (VCV000457714.17), dbSNP rs755890242, ClinGen allele CA8485541.

ClinVar aggregate classification (germline): Conflicting classifications of pathogenicity. Review status: criteria provided, conflicting classifications (1 of 4 stars). 5 submissions from 5 submitters: Uncertain significance (3); Likely benign (1). 1 of the submissions does not count toward it. Last evaluated 2025-11-19.

Conditions:
NF1-related disorder. Also called: NF1-related condition. Identifiers: MedGen CN379171.
Neurofibromatosis, type 1 (NF1). Also called: VON RECKLINGHAUSEN DISEASE; NEUROFIBROMATOSIS, TYPE I, SOMATIC; Peripheral type neurofibromatosis; Neurofibromatosis, type I. Identifiers: Orphanet 636, MedGen C0027831, MONDO:0018975, OMIM 162200. Disease mechanism: loss of function.
Cardiovascular phenotype. Identifiers: MedGen CN230736.
Hereditary cancer-predisposing syndrome. Also called: Hereditary Cancer Syndrome; Hereditary neoplastic syndrome; Tumor predisposition; Neoplastic Syndromes, Hereditary. Identifiers: Orphanet 140162, MedGen C0027672, MeSH D009386, MONDO:0015356.

Allele frequency attached by ClinVar (database versions not stated): TOPMed 0.00002.

Submissions (5):

Labcorp Genetics (formerly Invitae), Labcorp
Classification: Likely benign for Neurofibromatosis, type 1. Last evaluated: 2025-11-19. Review status: criteria provided, single submitter. Criteria: Invitae Variant Classification Sherloc (09022015). Collection method: clinical testing. Allele origin: germline.

Genome-Nilou Lab
Classification: Uncertain significance for Neurofibromatosis, type 1. Last evaluated: 2022-03-15. Review status: criteria provided, single submitter. Criteria: ACMG Guidelines, 2015. Collection method: clinical testing. Allele origin: germline. Affected: no.

GeneDx
Classification: Uncertain significance. Last evaluated: 2021-08-30. Review status: criteria provided, single submitter. Criteria: GeneDx Variant Classification Process June 2021. Collection method: clinical testing. Allele origin: germline. Affected: yes.
Comment: Has not been previously published as pathogenic or benign to our knowledge; In silico analysis supports that this missense variant has a deleterious effect on protein structure/function

Ambry Genetics
Classification: Uncertain significance for Cardiovascular phenotype; Hereditary cancer-predisposing syndrome. Last evaluated: 2021-03-29. Review status: criteria provided, single submitter. Criteria: Ambry Variant Classification Scheme 2023. Collection method: clinical testing. Allele origin: germline.

PreventionGenetics, part of Exact Sciences
Classification: Uncertain significance for NF1-related condition. Last evaluated: 2024-07-11. Review status: no assertion criteria provided. Collection method: clinical testing. Allele origin: germline. Not counted in ClinVar's aggregate classification.
Comment: The NF1 c.466C>T variant is predicted to result in the amino acid substitution p.Arg156Cys. To our knowledge, this variant has not been reported in the literature. This variant is reported in 0.011% of alleles in individuals of East Asian descent in gnomAD and has been classified as a variant of uncertain significance in ClinVar. At this time, the clinical significance of this variant is uncertain due to the absence of conclusive functional and genetic evidence.